The following is an entry in ClinVar:

NM_001127671.2(LIFR):c.860G>T (p.Cys287Phe)

Gene: LIFR (LIF receptor subunit alpha; minus strand). Cytogenetic location: 5p13.1.
Variant type: single nucleotide variant.
Coding change: c.860G>T on transcript NM_001127671.2 (MANE Select); coding-DNA position 860, G replaced by T.
Protein change: p.Cys287Phe; replaces cysteine 287 with phenylalanine.
Molecular consequence: missense variant.
Genome position (GRCh38, 1-based): chr5:38,510,595, C>A on the plus strand (G>T on the coding strand, the complement: LIFR is on the minus strand). VCF-style: chr5-38510595-C-A. GRCh37 (hg19) VCF-style: chr5-38510697-C-A.
Other names: c.860G>T, p.Cys287Phe (NM_001364297.2, NM_001364298.2, NM_002310.6); c.860G>T (NM_002310.5); short protein forms C287F.
Identifiers: ClinVar variation 1347726 (VCV001347726.6), dbSNP rs1745744862, ClinGen allele CA359546956.

ClinVar aggregate classification (germline): Uncertain significance. Review status: criteria provided, multiple submitters, no conflicts (2 of 4 stars). 2 submissions from 2 submitters: Uncertain significance (2). Last evaluated 2025-01-07.

Conditions:
Inborn genetic diseases. Identifiers: MedGen C0950123, MeSH D030342.

gnomAD v4.1: 2 of 1,614,038 alleles (0.00012%); highest among the groups gnomAD compares: East Asian, 0.0022%; no homozygotes.

Submissions (2):

Ambry Genetics
Classification: Uncertain significance for Inborn genetic diseases. Last evaluated: 2025-01-07. Review status: criteria provided, single submitter. Criteria: Ambry Variant Classification Scheme 2023. Collection method: clinical testing. Allele origin: germline.

Labcorp Genetics (formerly Invitae), Labcorp
Classification: Uncertain significance. Last evaluated: 2021-09-01. Review status: criteria provided, single submitter. Criteria: Invitae Variant Classification Sherloc (09022015). Collection method: clinical testing. Allele origin: germline.
Comment: This sequence change replaces cysteine with phenylalanine at codon 287 of the LIFR protein (p.Cys287Phe). The cysteine residue is weakly conserved and there is a large physicochemical difference between cysteine and phenylalanine. This variant is not present in population databases (ExAC no frequency). This variant has not been reported in the literature in individuals affected with LIFR-related conditions. Algorithms developed to predict the effect of missense changes on protein structure and function (SIFT, PolyPhen-2, Align-GVGD) all suggest that this variant is likely to be tolerated. In summary, the available evidence is currently insufficient to determine the role of this variant in disease. Therefore, it has been classified as a Variant of Uncertain Significance.